The following is an entry in ClinVar:

NM_001292063.2(OTOG):c.4129C>T (p.Arg1377Cys)

Gene: OTOG (otogelin; plus strand). Cytogenetic location: 11p15.1.
Variant type: single nucleotide variant.
Coding change: c.4129C>T on transcript NM_001292063.2 (MANE Select); coding-DNA position 4129, C replaced by T.
Protein change: p.Arg1377Cys; replaces arginine 1377 with cysteine.
Molecular consequence: missense variant.
Genome position (GRCh38, 1-based): chr11:17,606,108, C>T. VCF-style: chr11-17606108-C-T. GRCh37 (hg19) VCF-style: chr11-17627655-C-T.
Other names: c.4165C>T, p.Arg1389Cys (NM_001277269.2); short protein forms R1389C, R1377C.
Identifiers: ClinVar variation 229090 (VCV000229090.14), dbSNP rs764931529, ClinGen allele CA5905805.

ClinVar aggregate classification (germline): Uncertain significance. Review status: criteria provided, multiple submitters, no conflicts (2 of 4 stars). 5 submissions from 5 submitters: Uncertain significance (5). Last evaluated 2026-08-26.

Conditions:
OTOG-related disorder. Also called: OTOG-related condition.

Allele frequency attached by ClinVar (database versions not stated): TOPMed 0.00002; gnomAD 0.00004 and 0.00005; gnomAD exomes 0.00008 and 0.00014; ExAC 0.00060.
gnomAD v4.1: 128 of 1,544,008 alleles (0.0083%); highest among the groups gnomAD compares: South Asian, 0.1%; 2 homozygotes.

Submissions (5):

PreventionGenetics, part of Exact Sciences
Classification: Uncertain significance for OTOG-related condition. Last evaluated: 2026-08-26. Review status: criteria provided, single submitter. Criteria: ACMG Guidelines, 2015. Collection method: clinical testing. Allele origin: germline.
Comment: The OTOG c.4165C>T variant is predicted to result in the amino acid substitution p.Arg1389Cys. To our knowledge, this variant has not been reported in the literature. This variant is reported in 0.091% of alleles in individuals of South Asian descent in gnomAD. Although we suspect that this variant may be benign, at this time, the clinical significance of this variant is uncertain due to the absence of conclusive functional and genetic evidence.

CeGaT Center for Human Genetics Tuebingen
Classification: Uncertain significance. Last evaluated: 2026-02-01. Review status: criteria provided, single submitter. Criteria: CeGaT Center For Human Genetics Tuebingen Variant Classification Criteria Version 2. Collection method: clinical testing. Allele origin: germline. Affected: yes. Observed: 1 variant allele.

GeneDx
Classification: Uncertain significance. Last evaluated: 2025-12-02. Review status: criteria provided, single submitter. Criteria: GeneDx Variant Classification Process June 2021. Collection method: clinical testing. Allele origin: germline. Affected: yes.
Comment: In silico analysis supports that this missense variant has a deleterious effect on protein structure/function; Has not been previously published as pathogenic or benign to our knowledge

Blueprint Genetics
Classification: Uncertain significance. Last evaluated: 2024-10-09. Review status: criteria provided, single submitter. Criteria: ACMG Guidelines, 2015. Collection method: clinical testing. Allele origin: germline.

Laboratory for Molecular Medicine, Mass General Brigham Personalized Medicine
Classification: Uncertain significance. Last evaluated: 2015-06-29. Review status: criteria provided, single submitter. Criteria: LMM Criteria. Collection method: clinical testing. Allele origin: germline. Observed: 1 variant allele.
Comment: The p.Arg1389Cys variant in OTOG has not been previously reported in individuals with hearing loss, but has been identified in 0.1% (7/5540) of South Asian chro mosomes by the Exome Aggregation Consortium (ExAC, g; dbSNP rs764931529). Computational prediction tools and conservation analysis do not provide strong support for or against an impact to the protein. In summar y, the clinical significance of the p.Arg1389Cys variant is uncertain.